The following is an entry in ClinVar:

NM_001379451.1(BCORL1):c.3137T>C (p.Leu1046Pro)

Gene: BCORL1 (BCL6 corepressor like 1; plus strand). Cytogenetic location: Xq26.1.
Variant type: single nucleotide variant.
Coding change: c.3137T>C on transcript NM_001379451.1 (MANE Select); coding-DNA position 3137, T replaced by C.
Protein change: p.Leu1046Pro; replaces leucine 1046 with proline.
Molecular consequence: missense variant.
Genome position (GRCh38, 1-based): chrX:130,015,909, T>C. VCF-style: chrX-130015909-T-C. GRCh37 (hg19) VCF-style: chrX-129149885-T-C.
Other names: c.3137T>C, p.Leu1046Pro (NM_001184772.3, NM_001379450.1, NM_021946.5); short protein forms L1046P.
Identifiers: ClinVar variation 3900069 (VCV003900069.1).
Genomic context (GRCh38, chrX:130,015,909, plus strand): 5'-TTCCGAGCAGCAGGAGGGGCTCCAGCACAGAGCGCCCACAGCTTGGAAGCCAGGTGGATC[T>C]GGGGCGAGTGAAAATGGAGAAGGTGGATGGTGATGTGGTCTTCAATTTAGCCACCTGCTT-3'
Protein context (NP_001366380.1, residues 1036-1056): ERPQLGSQVD[Leu1046Pro]GRVKMEKVDG

ClinVar aggregate classification (germline): Uncertain significance (1 of 4 stars; one submission).

gnomAD v4.1: 2 of 1,211,797 alleles (0.00017%); highest among the groups gnomAD compares: Non-Finnish European, 0.00022%; no homozygotes.

Submission:

GeneDx
Classification: Uncertain significance. Last evaluated: 2024-11-25. Review status: criteria provided, single submitter. Criteria: GeneDx Variant Classification Process June 2021. Collection method: clinical testing. Allele origin: germline. Affected: yes.
Comment: Not observed at significant frequency in large population cohorts (gnomAD); In silico analysis indicates that this missense variant does not alter protein structure/function; Has not been previously published as pathogenic or benign to our knowledge